The following is an entry in ClinVar:

NM_000130.5(F5):c.2257C>A (p.Leu753Ile)

Gene: F5 (coagulation factor V; minus strand). Cytogenetic location: 1q24.2.
Variant type: single nucleotide variant.
Coding change: c.2257C>A on transcript NM_000130.5 (MANE Select); coding-DNA position 2257, C replaced by A.
Protein change: p.Leu753Ile; replaces leucine 753 with isoleucine.
Molecular consequence: missense variant.
Genome position (GRCh38, 1-based): chr1:169,542,833, G>T on the plus strand (C>A on the coding strand, the complement: F5 is on the minus strand). VCF-style: chr1-169542833-G-T. GRCh37 (hg19) VCF-style: chr1-169512071-G-T.
Other names: short protein forms L753I.
Identifiers: ClinVar variation 1312444 (VCV001312444.8), dbSNP rs148882378, ClinGen allele CA1234117.

ClinVar aggregate classification (germline): Uncertain significance. Review status: criteria provided, multiple submitters, no conflicts (2 of 4 stars). 4 submissions from 4 submitters: Uncertain significance (4). Last evaluated 2025-08-02.

Conditions:
F5-related disorder. Also called: F5-related condition.
Congenital factor V deficiency. Also called: LABILE FACTOR DEFICIENCY; OWREN PARAHEMOPHILIA; PARAHEMOPHILIA; Hereditary factor V deficiency disease. Identifiers: Orphanet 326, MedGen C0015499, MONDO:0009210, OMIM 227400.
Inborn genetic diseases. Identifiers: MedGen C0950123, MeSH D030342.

Allele frequency attached by ClinVar (database versions not stated): gnomAD exomes 0.00002 and 0.00003; TOPMed 0.00002; ESP Exome Variant Server 0.00008; ExAC 0.00001; gnomAD 0.00001.
gnomAD v4.1: 39 of 1,614,034 alleles (0.0024%); highest among the groups gnomAD compares: Middle Eastern, 0.049%; no homozygotes.

Submissions (4):

Labcorp Genetics (formerly Invitae), Labcorp
Classification: Uncertain significance for Congenital factor V deficiency. Last evaluated: 2025-08-02. Review status: criteria provided, single submitter. Criteria: Invitae Variant Classification Sherloc (09022015). Collection method: clinical testing. Allele origin: germline.
Comment: This sequence change replaces leucine, which is neutral and non-polar, with isoleucine, which is neutral and non-polar, at codon 753 of the F5 protein (p.Leu753Ile). This variant is present in population databases (rs148882378, gnomAD 0.006%). This variant has not been reported in the literature in individuals affected with F5-related conditions. ClinVar contains an entry for this variant (Variation ID: 1312444). Invitae Evidence Modeling of protein sequence and biophysical properties (such as structural, functional, and spatial information, amino acid conservation, physicochemical variation, residue mobility, and thermodynamic stability) indicates that this missense variant is expected to disrupt F5 protein function with a positive predictive value of 80%. In summary, the available evidence is currently insufficient to determine the role of this variant in disease. Therefore, it has been classified as a Variant of Uncertain Significance.

Ambry Genetics
Classification: Uncertain significance for Inborn genetic diseases. Last evaluated: 2025-04-01. Review status: criteria provided, single submitter. Criteria: Ambry Variant Classification Scheme 2023. Collection method: clinical testing. Allele origin: germline.

PreventionGenetics, part of Exact Sciences
Classification: Uncertain significance for F5-related condition. Last evaluated: 2025-02-02. Review status: criteria provided, single submitter. Criteria: ACMG Guidelines, 2015. Collection method: clinical testing. Allele origin: germline.
Comment: The F5 c.2257C>A variant is predicted to result in the amino acid substitution p.Leu753Ile. To our knowledge, this variant has not been reported in the literature. This variant is reported in 0.0065% of alleles in individuals of South Asian descent in gnomAD. At this time, the clinical significance of this variant is uncertain due to the absence of conclusive functional and genetic evidence.

GeneDx
Classification: Uncertain significance. Last evaluated: 2019-09-30. Review status: criteria provided, single submitter. Criteria: GeneDx Variant Classification Process June 2021. Collection method: clinical testing. Allele origin: germline. Affected: yes.
Comment: Has not been previously published as pathogenic or benign to our knowledge; In silico analysis, which includes protein predictors and evolutionary conservation, supports that this variant does not alter protein structure/function